The following is an entry in ClinVar:

ClinVar aggregate classification (germline): Uncertain significance. Review status: criteria provided, multiple submitters, no conflicts (2 of 4 stars). 2 submissions from 2 submitters: Uncertain significance (2). Last evaluated 2024-08-05.

Conditions:
Congenital heart disease (CHD). Identifiers: MedGen C0152021, MONDO:0005453. Disease mechanism: unknown.

Allele frequency attached by ClinVar (database versions not stated): gnomAD 0.00001.
gnomAD v4.1: 9 of 1,323,540 alleles (0.00068%); highest among the groups gnomAD compares: Admixed American, 0.0037%; no homozygotes.

Submissions (2):

Labcorp Genetics (formerly Invitae), Labcorp
Classification: Uncertain significance. Last evaluated: 2024-08-05. Review status: criteria provided, single submitter. Criteria: Invitae Variant Classification Sherloc (09022015). Collection method: clinical testing. Allele origin: germline.
Comment: This sequence change replaces proline, which is neutral and non-polar, with alanine, which is neutral and non-polar, at codon 47 of the MESP1 protein (p.Pro47Ala). This variant is not present in population databases (gnomAD no frequency). This variant has not been reported in the literature in individuals affected with MESP1-related conditions. ClinVar contains an entry for this variant (Variation ID: 1699171). An algorithm developed to predict the effect of missense changes on protein structure and function (PolyPhen-2) suggests that this variant is likely to be tolerated. In summary, the available evidence is currently insufficient to determine the role of this variant in disease. Therefore, it has been classified as a Variant of Uncertain Significance.

Victorian Clinical Genetics Services, Murdoch Childrens Research Institute
Classification: Uncertain significance for Congenital heart disease. Last evaluated: 2022-02-02. Review status: criteria provided, single submitter. Criteria: ACMG Guidelines, 2015. Collection method: clinical testing. Allele origin: germline. Inheritance: Autosomal dominant inheritance.
Comment: Based on the classification scheme VCGS_Germline_v1.3.4, this variant is classified as VUS-3C. Following criteria are met: 0102 - Loss of function is a mechanism of disease in this gene and is associated with congenital heart defects (PMIDs: 26694203, 28677747). While loss of function has been demonstrated for null variants, the mechanism for missense variants in currently unclear (PMIDs: 24056064, 26694203). (I) 0107 - This gene is associated with autosomal dominant disease. (I) 0200 - Variant is predicted to result in a missense amino acid change from proline to alanine. (I) 0251 - This variant is heterozygous. (I) 0302 - Variant is present in gnomAD (v3) <0.001 for a dominant condition (2 heterozygotes, 0 homozygotes). (SP) 0503 - Missense variant consistently predicted to be tolerated by multiple in silico tools or not conserved in placental mammals with a minor amino acid change. (SB) 0604 - Variant is not located in an established domain, motif, hotspot or informative constraint region. (I) 0705 - No comparable missense variants have previous evidence for pathogenicity. (I) 0807 - This variant has no previous evidence of pathogenicity. (I) 0905 - No published segregation evidence has been identified for this variant. (I) 1007 - No published functional evidence has been identified for this variant. (I) 1207 - Parental origin of the variant is unresolved. The proband's father has not been tested for the variant and it is therefore unknown if the variant is paternally inherited or de novo. (I) Legend: (SP) - Supporting pathogenic, (I) - Information, (SB) - Supporting benign

Literature cited by the submitters: PubMed 24056064 (cited by Victorian Clinical Genetics Services, Murdoch Childrens Research Institute); PubMed 26694203 (cited by Victorian Clinical Genetics Services, Murdoch Childrens Research Institute); PubMed 28677747 (cited by Victorian Clinical Genetics Services, Murdoch Childrens Research Institute).

NM_018670.4(MESP1):c.139C>G (p.Pro47Ala)

Genes: MESP1 (mesoderm posterior bHLH transcription factor 1; minus strand), LOC130057889 (ATAC-STARR-seq lymphoblastoid silent region 6804; plus strand). Cytogenetic location: 15q26.1.
Variant type: single nucleotide variant.
Coding change: c.139C>G on transcript NM_018670.4 (MANE Select); coding-DNA position 139, C replaced by G.
Protein change: p.Pro47Ala; replaces proline 47 with alanine.
Molecular consequence: missense variant.
Genome position (GRCh38, 1-based): chr15:89,751,093, G>C on the plus strand (C>G on the coding strand, the complement: MESP1 is on the minus strand). VCF-style: chr15-89751093-G-C. GRCh37 (hg19) VCF-style: chr15-90294324-G-C.
Other names: short protein forms P47A.
Identifiers: ClinVar variation 1699171 (VCV001699171.6), dbSNP rs933736116, ClinGen allele CA274596981.